The following is an entry in ClinVar:

NM_001256789.3(CACNA1F):c.1985T>C (p.Leu662Pro)

Gene: CACNA1F (calcium voltage-gated channel subunit alpha1 F; minus strand). Cytogenetic location: Xp11.23.
Variant type: single nucleotide variant.
Coding change: c.1985T>C on transcript NM_001256789.3 (MANE Select); coding-DNA position 1985, T replaced by C.
Protein change: p.Leu662Pro; replaces leucine 662 with proline.
Molecular consequence: missense variant.
Genome position (GRCh38, 1-based): chrX:49,223,029, A>G on the plus strand (T>C on the coding strand, the complement: CACNA1F is on the minus strand). VCF-style: chrX-49223029-A-G. GRCh37 (hg19) VCF-style: chrX-49079488-A-G.
Other names: c.1823T>C, p.Leu608Pro (NM_001256790.3); c.2018T>C, p.Leu673Pro (NM_005183.4); short protein forms L608P, L673P, L662P.
Identifiers: ClinVar variation 4839274 (VCV004839274.1).

ClinVar aggregate classification (germline): Uncertain significance (1 of 4 stars; one submission).

Conditions:
Inborn genetic diseases. Identifiers: MedGen C0950123, MeSH D030342.

Submission:

Ambry Genetics
Classification: Uncertain significance for Inborn genetic diseases. Last evaluated: 2026-01-20. Review status: criteria provided, single submitter. Criteria: Ambry Variant Classification Scheme 2023. Collection method: clinical testing. Allele origin: germline.
Comment: The c.2018T>C (p.L673P) alteration is located in exon 15 (coding exon 15) of the CACNA1F gene. This alteration results from a T to C substitution at nucleotide position 2018, causing the leucine (L) at amino acid position 673 to be replaced by a proline (P). This variant was not reported in population-based cohorts in the Genome Aggregation Database (gnomAD). This amino acid position is highly conserved in available vertebrate species. This alteration is predicted to be deleterious by in silico analysis. Based on insufficient or conflicting evidence, the clinical significance of this alteration remains unclear.